The following is an entry in ClinVar:

NM_002206.3(ITGA7):c.2331_2344del (p.Glu777fs)

Genes: ITGA7 (integrin subunit alpha 7; minus strand), LOC126861535 (CDK7 strongly-dependent group 2 enhancer GRCh37_chr12:56087579-56088778; plus strand). Cytogenetic location: 12q13.2.
Variant type: Deletion.
Coding change: c.2331_2344del on transcript NM_002206.3 (MANE Select); coding-DNA positions 2331 to 2344, 14 bases deleted (ACTGGAGGTAGAGC).
Protein change: p.Glu777fs; shifts the reading frame from glutamic acid 777.
Molecular consequence: frameshift variant.
Genome position (GRCh38, 1-based): chr12:55,694,456-55,694,469, GCTCTACCTCCAGT deleted on the plus strand (ACTGGAGGTAGAGC on the coding strand, the reverse complement: ITGA7 is on the minus strand). VCF-style (leftmost placement, unchanged base first): chr12-55694455-AGCTCTACCTCCAGT-A. GRCh37 (hg19) VCF-style: chr12-56088239-AGCTCTACCTCCAGT-A.
Other names: c.2343_2356del, p.Glu781fs (NM_001144996.2); c.2052_2065delACTGGAGGTAGAGC, p.Glu684Aspfs (NM_001144997.2); c.2004_2017del, p.Glu668fs (NM_001367993.1); c.987_1000del, p.Glu329fs (NM_001367994.1); c.2313_2326del, p.Glu771fs (NM_001374465.1); c.2463_2476delACTGGAGGTAGAGC, p.Glu821Aspfs (NM_001410977.1); c.2325_2338delACTGGAGGTAGAGC, p.Glu775Aspfs (NM_001414029.1); c.2256_2269delACTGGAGGTAGAGC, p.Glu752Aspfs (NM_001414030.1); and 5 more; short protein forms E771fs, E777fs, E781fs, E329fs, E668fs, E684fs.
Identifiers: ClinVar variation 1394724 (VCV001394724.6), dbSNP rs2135999822, ClinGen allele CA2573148793.
Genomic context (GRCh38, chr12:55,694,455, plus strand): 5'-GTCAATATGACTACCCCCACCTCACCCTTCCGGCCCCGCCTGGCTTACGTGGCCAACAGC[AGCTCTACCTCCAGT>A]TCCGTGGTCTCAATGCTGATCCCGGAGGTGCTAAGGATGAGGTAGAAGGTGACCTAGGCC-3'

ClinVar aggregate classification (germline): Pathogenic (1 of 4 stars; one submission).

Conditions:
Congenital muscular dystrophy due to integrin alpha-7 deficiency. Also called: MYOPATHY, CONGENITAL, DUE TO INTEGRIN ALPHA-7 DEFICIENCY; Congenital muscular dystrophy with integrin alpha-7 deficiency; Muscular dystrophy, congenital, due to ITGA7 deficiency. Identifiers: Orphanet 34520, MedGen C2750786, MONDO:0013177, OMIM 613204.

Submission:

Labcorp Genetics (formerly Invitae), Labcorp
Classification: Pathogenic for Congenital muscular dystrophy due to integrin alpha-7 deficiency. Last evaluated: 2021-08-01. Review status: criteria provided, single submitter. Criteria: Invitae Variant Classification Sherloc (09022015). Collection method: clinical testing. Allele origin: germline.
Comment: This variant is not present in population databases (ExAC no frequency). This variant has not been reported in the literature in individuals affected with ITGA7-related conditions. For these reasons, this variant has been classified as Pathogenic. This sequence change creates a premature translational stop signal (p.Glu777Aspfs*8) in the ITGA7 gene. It is expected to result in an absent or disrupted protein product. Loss-of-function variants in ITGA7 are known to be pathogenic (PMID: 9590299).

Literature cited by the submitters: PubMed 9590299.